The following is an entry in ClinVar:

ClinVar aggregate classification (germline): Likely pathogenic. Review status: criteria provided, multiple submitters, no conflicts (2 of 4 stars). 2 submissions from 2 submitters: Likely pathogenic (2). Last evaluated 2025-04-24.

Conditions:
Kleefstra syndrome 1 (KLEFS1). Identifiers: Orphanet 261494, MedGen C0795833, MONDO:0027407, OMIM 610253.

Submissions (2):

GeneDx
Classification: Likely pathogenic. Last evaluated: 2025-04-24. Review status: criteria provided, single submitter. Criteria: GeneDx Variant Classification Process June 2021. Collection method: clinical testing. Allele origin: germline. Affected: yes.
Comment: Canonical splice site variant predicted to result in an in-frame loss of the adjacent exon in a gene for which loss of function is a known mechanism of disease; Not observed at significant frequency in large population cohorts (gnomAD); Has not been previously published as pathogenic or benign to our knowledge

Labcorp Genetics (formerly Invitae), Labcorp
Classification: Likely pathogenic for Kleefstra syndrome 1. Last evaluated: 2022-05-20. Review status: criteria provided, single submitter. Criteria: Invitae Variant Classification Sherloc (09022015). Collection method: clinical testing. Allele origin: germline.
Comment: This sequence change affects an acceptor splice site in intron 8 of the EHMT1 gene. It is expected to disrupt RNA splicing. Variants that disrupt the donor or acceptor splice site typically lead to a loss of protein function (PMID: 16199547), and loss-of-function variants in EHMT1 are known to be pathogenic (PMID: 16826528, 19264732). This variant is not present in population databases (gnomAD no frequency). This variant has not been reported in the literature in individuals affected with EHMT1-related conditions. Algorithms developed to predict the effect of sequence changes on RNA splicing suggest that this variant may disrupt the consensus splice site. In summary, the currently available evidence indicates that the variant is pathogenic, but additional data are needed to prove that conclusively. Therefore, this variant has been classified as Likely Pathogenic.

Literature cited by the submitters: PubMed 16199547 (cited by Labcorp Genetics (formerly Invitae), Labcorp); PubMed 16826528 (cited by Labcorp Genetics (formerly Invitae), Labcorp); PubMed 19264732 (cited by Labcorp Genetics (formerly Invitae), Labcorp).

NM_024757.5(EHMT1):c.1370-1G>C

Gene: EHMT1 (euchromatic histone lysine methyltransferase 1; plus strand). Cytogenetic location: 9q34.3.
Variant type: single nucleotide variant.
Coding change: c.1370-1G>C on transcript NM_024757.5 (MANE Select); the canonical splice acceptor site of the intron before coding-DNA position 1370, G replaced by C.
Molecular consequence: splice acceptor variant.
Genome position (GRCh38, 1-based): chr9:137,757,879, G>C. VCF-style: chr9-137757879-G-C. GRCh37 (hg19) VCF-style: chr9-140652331-G-C.
Other names: c.1349-1G>C (NM_001354263.2); c.1277-1G>C (NM_001354259.2, NM_001354612.2); c.1370-1G>C (NM_001145527.2, NM_001354611.2).
Identifiers: ClinVar variation 1938234 (VCV001938234.6), dbSNP rs2541878110, ClinGen allele CA375765505.